The following is an entry in ClinVar:

NM_024496.4(IRF2BPL):c.969delinsAGAGGTA (p.Val323_Gly324insGluVal)

Gene: IRF2BPL (interferon regulatory factor 2 binding protein like; minus strand). Cytogenetic location: 14q24.3.
Variant type: Indel.
Coding change: c.969delinsAGAGGTA on transcript NM_024496.4 (MANE Select); coding-DNA position 969, G replaced by AGAGGTA.
Protein change: p.Val323_Gly324insGluVal.
Molecular consequence: inframe insertion.
Genome position (GRCh38, 1-based): chr14:77,026,824, C replaced by TACCTCT on the plus strand (G replaced by AGAGGTA on the coding strand, the reverse complement: IRF2BPL is on the minus strand). VCF-style: chr14-77026824-C-TACCTCT. GRCh37 (hg19) VCF-style: chr14-77493167-C-TACCTCT.
Identifiers: ClinVar variation 2577757 (VCV002577757.1), dbSNP rs2503076850, ClinGen allele CA2573334932.

ClinVar aggregate classification (germline): Uncertain significance (1 of 4 stars; one submission).

Submission:

GeneDx
Classification: Uncertain significance. Last evaluated: 2023-02-27. Review status: criteria provided, single submitter. Criteria: GeneDx Variant Classification Process June 2021. Collection method: clinical testing. Allele origin: germline. Affected: yes.
Comment: Not observed at significant frequency in large population cohorts (gnomAD); In-frame insertion of 2 amino acids in a non-repeat region; In silico analysis supports that this variant does not alter splicing; Has not been previously published as pathogenic or benign to our knowledge